The following is an entry in ClinVar:

ClinVar aggregate classification (germline): Uncertain significance. Review status: criteria provided, multiple submitters, no conflicts (2 of 4 stars). 5 submissions from 5 submitters: Uncertain significance (5). Last evaluated 2026-01-05.

Conditions:
Hereditary cancer-predisposing syndrome. Also called: Tumor predisposition; Hereditary Cancer Syndrome; Neoplastic Syndromes, Hereditary; Hereditary neoplastic syndrome. Identifiers: Orphanet 140162, MedGen C0027672, MeSH D009386, MONDO:0015356.
Breast-ovarian cancer, familial, susceptibility to, 1 (BROVCA1). Also called: BRCA1 Hereditary Breast and Ovarian Cancer; OVARIAN CANCER, SUSCEPTIBILITY TO. Identifiers: Orphanet 145, MedGen C2676676, MONDO:0011450, OMIM 604370. Disease mechanism: loss of function.
Familial cancer of breast. Also called: BREAST CANCER, FAMILIAL; hereditary breast carcinoma; Hereditary breast cancer. Identifiers: Orphanet 227535, MedGen C0346153, MONDO:0016419, OMIM 114480. Disease mechanism: loss of function.
Fanconi anemia complementation group J. Also called: BRIP1-Related Fanconi Anemia. Identifiers: Orphanet 84, MedGen C1836860, MONDO:0012187, OMIM 609054.

Allele frequency attached by ClinVar (database versions not stated): gnomAD exomes below 0.00001; TOPMed 0.00001.
gnomAD v4.1: 7 of 1,613,422 alleles (0.00043%); highest among the groups gnomAD compares: Non-Finnish European, 0.00059%; no homozygotes.

Submissions (5):

Labcorp Genetics (formerly Invitae), Labcorp
Classification: Uncertain significance for Familial cancer of breast; Fanconi anemia complementation group J. Last evaluated: 2026-01-05. Review status: criteria provided, single submitter. Criteria: Invitae Variant Classification Sherloc (09022015). Collection method: clinical testing. Allele origin: germline.
Comment: This sequence change replaces proline, which is neutral and non-polar, with leucine, which is neutral and non-polar, at codon 727 of the BRIP1 protein (p.Pro727Leu). This variant is not present in population databases (gnomAD no frequency). This variant has not been reported in the literature in individuals affected with BRIP1-related conditions. ClinVar contains an entry for this variant (Variation ID: 231703). Invitae Evidence Modeling of protein sequence and biophysical properties (such as structural, functional, and spatial information, amino acid conservation, physicochemical variation, residue mobility, and thermodynamic stability) has been performed for this missense variant. However, the output from this modeling did not meet the statistical confidence thresholds required to predict the impact of this variant on BRIP1 protein function. In summary, the available evidence is currently insufficient to determine the role of this variant in disease. Therefore, it has been classified as a Variant of Uncertain Significance.

Color Diagnostics, LLC DBA Color Health
Classification: Uncertain significance for Hereditary cancer-predisposing syndrome. Last evaluated: 2025-10-06. Review status: criteria provided, single submitter. Criteria: ACMG Guidelines, 2015. Collection method: clinical testing. Allele origin: germline.
Comment: This missense variant replaces proline with leucine at codon 727 of the BRIP1 protein. Computational prediction suggests that this variant may have deleterious impact on protein structure and function. To our knowledge, functional studies have not been reported for this variant. This variant has not been reported in individuals affected with hereditary cancer in the literature. This variant has not been identified in the general population by the Genome Aggregation Database (gnomAD). The available evidence is insufficient to determine the role of this variant in disease conclusively. Therefore, this variant is classified as a Variant of Uncertain Significance.

Institute of Immunology and Genetics Kaiserslautern
Classification: Uncertain significance for Breast-ovarian cancer, familial, susceptibility to, 1. Last evaluated: 2025-07-31. Review status: criteria provided, single submitter. Criteria: ACMG Guidelines, 2015. Collection method: clinical testing. Allele origin: germline. Affected: yes.
Comment: ACMG Criteria: PM2_P, PP3; Variant was found in heterozygous state.

Ambry Genetics
Classification: Uncertain significance for Hereditary cancer-predisposing syndrome. Last evaluated: 2023-11-03. Review status: criteria provided, single submitter. Criteria: Ambry Variant Classification Scheme 2023. Collection method: clinical testing. Allele origin: germline.
Comment: The p.P727L variant (also known as c.2180C>T), located in coding exon 14 of the BRIP1 gene, results from a C to T substitution at nucleotide position 2180. The proline at codon 727 is replaced by leucine, an amino acid with similar properties. This amino acid position is highly conserved in available vertebrate species. In addition, this alteration is predicted to be deleterious by in silico analysis. Since supporting evidence is limited at this time, the clinical significance of this alteration remains unclear.

GeneDx
Classification: Uncertain significance. Last evaluated: 2023-03-07. Review status: criteria provided, single submitter. Criteria: GeneDx Variant Classification Process June 2021. Collection method: clinical testing. Allele origin: germline. Affected: yes.
Comment: Not observed at significant frequency in large population cohorts (gnomAD); In silico analysis supports that this missense variant has a deleterious effect on protein structure/function; Has not been previously published as pathogenic or benign to our knowledge

NM_032043.3(BRIP1):c.2180C>T (p.Pro727Leu)

Gene: BRIP1 (BRCA1 interacting DNA helicase 1; minus strand). Cytogenetic location: 17q23.2.
Variant type: single nucleotide variant.
Coding change: c.2180C>T on transcript NM_032043.3 (MANE Select); coding-DNA position 2180, C replaced by T.
Protein change: p.Pro727Leu; replaces proline 727 with leucine.
Molecular consequence: missense variant.
Genome position (GRCh38, 1-based): chr17:61,744,509, G>A on the plus strand (C>T on the coding strand, the complement: BRIP1 is on the minus strand). VCF-style: chr17-61744509-G-A. GRCh37 (hg19) VCF-style: chr17-59821870-G-A.
Other names: short protein forms P727L.
Identifiers: ClinVar variation 231703 (VCV000231703.24), dbSNP rs876659309, ClinGen allele CA10580813.